The following is an entry in ClinVar:

NM_138295.5(PKD1L1):c.5916C>A (p.Ala1972=)

Gene: PKD1L1 (polycystin 1 like 1, transient receptor potential channel interacting; minus strand). Cytogenetic location: 7p12.3.
Variant type: single nucleotide variant.
Coding change: c.5916C>A on transcript NM_138295.5 (MANE Select); coding-DNA position 5916, C replaced by A.
Protein change: p.Ala1972=; no amino-acid change (alanine 1972 retained).
Molecular consequence: synonymous variant.
Genome position (GRCh38, 1-based): chr7:47,836,948, G>T on the plus strand (C>A on the coding strand, the complement: PKD1L1 is on the minus strand). VCF-style: chr7-47836948-G-T. GRCh37 (hg19) VCF-style: chr7-47876546-G-T.
Identifiers: ClinVar variation 3029808 (VCV003029808.2), dbSNP rs924737504, ClinGen allele CA454918165.

ClinVar aggregate classification (germline): Likely benign (0 of 4 stars; one submission).

Conditions:
PKD1L1-related disorder. Also called: PKD1L1-related condition.

Allele frequency attached by ClinVar (database versions not stated): gnomAD exomes below 0.00001; TOPMed below 0.00001.
gnomAD v4.1: 1 of 1,614,106 alleles (0.000062%); highest among the groups gnomAD compares: Non-Finnish European, 0.000085%; no homozygotes.

Submission:

PreventionGenetics, part of Exact Sciences
Classification: Likely benign for PKD1L1-related condition. Last evaluated: 2022-01-21. Review status: no assertion criteria provided. Collection method: clinical testing. Allele origin: germline.
Comment: This variant is classified as likely benign based on ACMG/AMP sequence variant interpretation guidelines (Richards et al. 2015 PMID: 25741868, with internal and published modifications).